The following is an entry in ClinVar:

NM_001256071.3(RNF213):c.12817G>C (p.Asp4273His)

Genes: RNF213 (ring finger protein 213; plus strand), RNF213-AS1 (RNF213 antisense RNA 1; minus strand). Cytogenetic location: 17q25.3.
Variant type: single nucleotide variant.
Coding change: c.12817G>C on transcript NM_001256071.3 (MANE Select); coding-DNA position 12817, G replaced by C.
Protein change: p.Asp4273His; replaces aspartic acid 4273 with histidine.
Molecular consequence: missense variant.
Genome position (GRCh38, 1-based): chr17:80,373,040, G>C. VCF-style: chr17-80373040-G-C. GRCh37 (hg19) VCF-style: chr17-78346840-G-C.
Other names: c.12964G>C, p.Asp4322His (NM_001410195.1, NM_020914.5); short protein forms D4273H, D4322H.
Identifiers: ClinVar variation 4976316 (VCV004976316.1).

ClinVar aggregate classification (germline): Uncertain significance (1 of 4 stars; one submission).

Submission:

GeneDx
Classification: Uncertain significance. Last evaluated: 2026-02-12. Review status: criteria provided, single submitter. Criteria: GeneDx Variant Classification Process June 2021. Collection method: clinical testing. Allele origin: germline.
Comment: Not observed at significant frequency in large population cohorts (gnomAD); In silico analysis supports that this missense variant has a deleterious effect on protein structure/function; Has not been previously published as pathogenic or benign to our knowledge